The following is an entry in ClinVar:

NM_005431.2(XRCC2):c.694C>T (p.Gln232Ter)

Gene: XRCC2 (X-ray repair cross complementing 2; minus strand). Cytogenetic location: 7q36.1.
Variant type: single nucleotide variant.
Coding change: c.694C>T on transcript NM_005431.2 (MANE Select); coding-DNA position 694, C replaced by T.
Protein change: p.Gln232Ter; replaces glutamine 232 with a stop codon.
Molecular consequence: nonsense.
Genome position (GRCh38, 1-based): chr7:152,648,791, G>A on the plus strand (C>T on the coding strand, the complement: XRCC2 is on the minus strand). VCF-style: chr7-152648791-G-A. GRCh37 (hg19) VCF-style: chr7-152345876-G-A.
Other names: short protein forms Q232*.
Identifiers: ClinVar variation 1756284 (VCV001756284.3), dbSNP rs2116987184, ClinGen allele CA370198150.

ClinVar aggregate classification (germline): Uncertain significance (1 of 4 stars; one submission).

Conditions:
Hereditary cancer-predisposing syndrome. Also called: Neoplastic Syndromes, Hereditary; Tumor predisposition; Hereditary Cancer Syndrome; Hereditary neoplastic syndrome. Identifiers: Orphanet 140162, MedGen C0027672, MeSH D009386, MONDO:0015356.

Submission:

Ambry Genetics
Classification: Uncertain significance for Hereditary cancer-predisposing syndrome. Last evaluated: 2022-09-25. Review status: criteria provided, single submitter. Criteria: Ambry Variant Classification Scheme 2023. Collection method: clinical testing. Allele origin: germline.
Comment: The p.Q232* variant (also known as c.694C>T), located in coding exon 3 of the XRCC2 gene, results from a C to T substitution at nucleotide position 694. This changes the amino acid from a glutamine to a stop codon within coding exon 3. This alteration occurs at the 3' terminus of the XRCC2 gene, is not expected to trigger nonsense-mediated mRNAdecay, and only impacts the last 51 amino acids of the protein. The exact functional effect of this alteration is unknown. Since supporting evidence is limited at this time, the clinical significance of this alteration remains unclear.